The following is an entry in ClinVar:

NM_001351169.2(NT5C2):c.771+1G>A

Gene: NT5C2 (5'-nucleotidase, cytosolic II; minus strand). Cytogenetic location: 10q24.32.
Variant type: single nucleotide variant.
Coding change: c.771+1G>A on transcript NM_001351169.2 (MANE Select); the canonical splice donor site of the intron after coding-DNA position 771, G replaced by A.
Molecular consequence: splice donor variant.
Genome position (GRCh38, 1-based): chr10:103,097,290, C>T on the plus strand (G>A on the coding strand, the complement: NT5C2 is on the minus strand). VCF-style: chr10-103097290-C-T. GRCh37 (hg19) VCF-style: chr10-104857047-C-T.
Other names: c.684+1G>A (NM_001351174.1); c.198+1G>A (NM_001351191.1, NM_001351192.1, NM_001351193.1 and 16 more transcripts); c.57+1G>A (NM_001351194.2, NM_001351195.2, NM_001351196.2); c.771+1G>A (NM_001134373.3, NM_012229.5); c.795+1G>A (NM_001351170.2, NM_001351171.2, NM_001351172.2 and 1 more transcripts); c.678+1G>A (NM_001351175.2).
Identifiers: ClinVar variation 1709433 (VCV001709433.2), dbSNP rs770036597, ClinGen allele CA5670969.

ClinVar aggregate classification (germline): Likely pathogenic (1 of 4 stars; one submission).

Conditions:
Hereditary spastic paraplegia 45. Also called: Spastic paraplegia 45, autosomal recessive; SPASTIC PARAPLEGIA 45. Identifiers: Orphanet 320396, MedGen C3888209, MONDO:0013165, OMIM 613162.

Allele frequency attached by ClinVar (database versions not stated): ExAC 0.00001.
gnomAD v4.1: 2 of 1,606,474 alleles (0.00012%); highest among the groups gnomAD compares: South Asian, 0.0011%; no homozygotes.

Submission:

MGZ Medical Genetics Center
Classification: Likely pathogenic for Hereditary spastic paraplegia 45. Last evaluated: 2022-06-01. Review status: criteria provided, single submitter. Criteria: ACMG Guidelines, 2015. Collection method: clinical testing. Allele origin: germline. Affected: yes. Observed: 1 variant allele.
Comment: ACMG criteria applied: PVS1, PM2_SUP